The following is an entry in ClinVar:

NM_001323075.3(CXorf49C):c.1077G>A (p.Pro359=)

Genes: CXorf49C (chromosome X open reading frame 49C; plus strand), LOC126863278 (CDK7 strongly-dependent group 2 enhancer GRCh37_chrX:70888661-70889860; plus strand). Cytogenetic location: Xq13.1.
Variant type: single nucleotide variant.
Coding change: c.1077G>A on transcript NM_001323075.3 (MANE Select); coding-DNA position 1077, G replaced by A.
Protein change: p.Pro359=; no amino-acid change (proline 359 retained).
Molecular consequence: synonymous variant.
Genome position (GRCh38, 1-based): chrX:71,668,880, G>A. VCF-style: chrX-71668880-G-A. GRCh37 (hg19) VCF-style: chrX-70888730-G-A.
Identifiers: ClinVar variation 2660895 (VCV002660895.24), dbSNP rs981325197, ClinGen allele CA331125041.

ClinVar aggregate classification (germline): Likely benign (1 of 4 stars; one submission).

gnomAD v4.1: 149 of 1,104,773 alleles (0.013%); highest among the groups gnomAD compares: East Asian, 0.031%; no homozygotes.

Submission:

CeGaT Center for Human Genetics Tuebingen
Classification: Likely benign. Last evaluated: 2023-03-01. Review status: criteria provided, single submitter. Criteria: CeGaT Center For Human Genetics Tuebingen Variant Classification Criteria Version 2. Collection method: clinical testing. Allele origin: germline. Affected: yes. Observed: 1 variant allele.
Comment: LOC101059915: BP4, BP7, BS2